The following is an entry in ClinVar:

ClinVar aggregate classification (germline): Conflicting classifications of pathogenicity. Review status: criteria provided, conflicting classifications (1 of 4 stars). 7 submissions from 7 submitters: Uncertain significance (6); Likely benign (1). Last evaluated 2025-09-07.

Conditions:
Classic or attenuated familial adenomatous polyposis. Identifiers: MedGen CN372698, MONDO:0021057.
Hereditary cancer-predisposing syndrome. Also called: Hereditary neoplastic syndrome; Neoplastic Syndromes, Hereditary; Hereditary Cancer Syndrome; Tumor predisposition. Identifiers: Orphanet 140162, MedGen C0027672, MeSH D009386, MONDO:0015356.
Familial adenomatous polyposis 1 (FAP1). Also called: POLYPOSIS, ADENOMATOUS INTESTINAL; FAMILIAL ADENOMATOUS POLYPOSIS 1, ATTENUATED. Identifiers: MedGen C2713442, MONDO:0021056, OMIM 175100. Disease mechanism: loss of function.

Allele frequency attached by ClinVar (database versions not stated): ExAC 0.00001; gnomAD exomes 0.00001.
gnomAD v4.1: 4 of 1,614,174 alleles (0.00025%); highest among the groups gnomAD compares: South Asian, 0.0011%; no homozygotes.

Submissions (7):

Ambry Genetics
Classification: Likely benign for Hereditary cancer-predisposing syndrome. Last evaluated: 2025-09-07. Review status: criteria provided, single submitter. Criteria: Ambry Variant Classification Scheme 2023. Collection method: clinical testing. Allele origin: germline.

Labcorp Genetics (formerly Invitae), Labcorp
Classification: Uncertain significance for Familial adenomatous polyposis 1. Last evaluated: 2024-10-30. Review status: criteria provided, single submitter. Criteria: Invitae Variant Classification Sherloc (09022015). Collection method: clinical testing. Allele origin: germline.
Comment: This sequence change replaces aspartic acid, which is acidic and polar, with asparagine, which is neutral and polar, at codon 849 of the APC protein (p.Asp849Asn). This variant is present in population databases (rs752193945, gnomAD 0.003%). This variant has not been reported in the literature in individuals affected with APC-related conditions. ClinVar contains an entry for this variant (Variation ID: 469753). Invitae Evidence Modeling of protein sequence and biophysical properties (such as structural, functional, and spatial information, amino acid conservation, physicochemical variation, residue mobility, and thermodynamic stability) indicates that this missense variant is not expected to disrupt APC protein function with a negative predictive value of 95%. In summary, the available evidence is currently insufficient to determine the role of this variant in disease. Therefore, it has been classified as a Variant of Uncertain Significance.

Color Diagnostics, LLC DBA Color Health
Classification: Uncertain significance for Hereditary cancer-predisposing syndrome. Last evaluated: 2024-08-26. Review status: criteria provided, single submitter. Criteria: ACMG Guidelines, 2015. Collection method: clinical testing. Allele origin: germline.
Comment: This missense variant replaces aspartic acid with asparagine at codon 849 of the APC protein. Computational prediction suggests that this variant may not impact protein structure and function (internally defined REVEL score threshold <= 0.5, PMID: 27666373). To our knowledge, functional studies have not been reported for this variant. This variant has not been reported in individuals affected with APC-related disorders in the literature. This variant has been identified in 2/251180 chromosomes in the general population by the Genome Aggregation Database (gnomAD). The available evidence is insufficient to determine the role of this variant in disease conclusively. Therefore, this variant is classified as a Variant of Uncertain Significance.

All of Us Research Program, National Institutes of Health
Classification: Uncertain significance for Classic or attenuated familial adenomatous polyposis. Last evaluated: 2024-04-17. Review status: criteria provided, single submitter. Criteria: ACMG Guidelines, 2015. Collection method: clinical testing. Allele origin: germline. Inheritance: Autosomal dominant inheritance. Observed: 1 variant allele, 1 heterozygote.
Comment: This missense variant replaces aspartic acid with asparagine at codon 849 of the APC protein. Computational prediction is inconclusive regarding the impact of this variant on protein structure and function (internally defined REVEL score threshold 0.5 < inconclusive < 0.7, PMID: 27666373). To our knowledge, functional studies have not been reported for this variant. This variant has not been reported in individuals affected with hereditary cancer in the literature. This variant has been identified in 2/251180 chromosomes in the general population by the Genome Aggregation Database (gnomAD). The available evidence is insufficient to determine the role of this variant in disease conclusively. Therefore, this variant is classified as a Variant of Uncertain Significance.

This study involves interpretation of variants in research participants for the purpose of population health screening. Participant phenotype was not available at the time of variant classification. Additional details can be found in publication PMID: 35346344, PMCID: PMC8962531

Blueprint Genetics
Classification: Uncertain significance. Last evaluated: 2023-08-08. Review status: criteria provided, single submitter. Criteria: ACMG Guidelines, 2015. Collection method: clinical testing. Allele origin: germline.

Women's Health and Genetics/Laboratory Corporation of America, LabCorp
Classification: Uncertain significance. Last evaluated: 2022-10-29. Review status: criteria provided, single submitter. Criteria: LabCorp Variant Classification Summary - May 2015. Collection method: clinical testing. Allele origin: germline.

Institute for Clinical Genetics, University Hospital TU Dresden, University Hospital TU Dresden
Classification: Uncertain significance. Last evaluated: 2021-11-03. Review status: criteria provided, single submitter. Criteria: ACMG Guidelines, 2015. Collection method: clinical testing. Allele origin: germline.

NM_000038.6(APC):c.2545G>A (p.Asp849Asn)

Gene: APC (APC regulator of Wnt signaling pathway; plus strand). Cytogenetic location: 5q22.2.
Variant type: single nucleotide variant.
Coding change: c.2545G>A on transcript NM_000038.6 (MANE Select); coding-DNA position 2545, G replaced by A.
Protein change: p.Asp849Asn; replaces aspartic acid 849 with asparagine.
Molecular consequence: missense variant.
Genome position (GRCh38, 1-based): chr5:112,838,139, G>A. VCF-style: chr5-112838139-G-A. GRCh37 (hg19) VCF-style: chr5-112173836-G-A.
Other names: c.2545G>A, p.Asp849Asn (NM_001127510.3, NM_001354895.2); c.2491G>A, p.Asp831Asn (NM_001127511.3); c.2599G>A, p.Asp867Asn (NM_001354896.2); c.2575G>A, p.Asp859Asn (NM_001354897.2); c.2470G>A, p.Asp824Asn (NM_001354898.2); c.2461G>A, p.Asp821Asn (NM_001354899.2); c.2422G>A, p.Asp808Asn (NM_001354900.2); c.2368G>A, p.Asp790Asn (NM_001354901.2); and 5 more; short protein forms D849N, D831N, D821N, D867N, D566N, D790N, D808N, D689N.
Identifiers: ClinVar variation 469753 (VCV000469753.30), dbSNP rs752193945, ClinGen allele CA032472.